The following is an entry in ClinVar:

ClinVar aggregate classification (germline): Uncertain significance (1 of 4 stars; one submission).

Allele frequency attached by ClinVar (database versions not stated): ExAC 0.00001; gnomAD 0.00001; gnomAD exomes 0.00001; TOPMed 0.00002.

Submission:

Labcorp Genetics (formerly Invitae), Labcorp
Classification: Uncertain significance. Last evaluated: 2021-12-22. Review status: criteria provided, single submitter. Criteria: Invitae Variant Classification Sherloc (09022015). Collection method: clinical testing. Allele origin: germline.
Comment: In summary, the available evidence is currently insufficient to determine the role of this variant in disease. Therefore, it has been classified as a Variant of Uncertain Significance. This sequence change replaces proline, which is neutral and non-polar, with serine, which is neutral and polar, at codon 238 of the SNRPB protein (p.Pro238Ser). This variant is present in population databases (rs750464140, gnomAD 0.003%). This variant has not been reported in the literature in individuals affected with SNRPB-related conditions. Algorithms developed to predict the effect of missense changes on protein structure and function are either unavailable or do not agree on the potential impact of this missense change (SIFT: "Tolerated"; PolyPhen-2: "Not Available"; Align-GVGD: "Class C0").

NM_003091.4(SNRPB):c.*162C>T

Gene: SNRPB (small nuclear ribonucleoprotein polypeptides B and B1; minus strand). Cytogenetic location: 20p13.
Variant type: single nucleotide variant.
Coding change: c.*162C>T on transcript NM_003091.4 (MANE Select); 162 bases downstream of the stop codon, C replaced by T.
Molecular consequence: 3 prime UTR variant. On other transcripts: missense variant (1).
Genome position (GRCh38, 1-based): chr20:2,461,767, G>A on the plus strand (C>T on the coding strand, the complement: SNRPB is on the minus strand). VCF-style: chr20-2461767-G-A. GRCh37 (hg19) VCF-style: chr20-2442413-G-A.
Other names: c.712C>T, p.Pro238Ser (NM_198216.2); short protein forms P238S.
Identifiers: ClinVar variation 1987055 (VCV001987055.4), dbSNP rs750464140, ClinGen allele CA9732316.